The following is an entry in ClinVar:

NM_001256789.3(CACNA1F):c.2638G>A (p.Glu880Lys)

Gene: CACNA1F (calcium voltage-gated channel subunit alpha1 F; minus strand). Cytogenetic location: Xp11.23.
Variant type: single nucleotide variant.
Coding change: c.2638G>A on transcript NM_001256789.3 (MANE Select); coding-DNA position 2638, G replaced by A.
Protein change: p.Glu880Lys; replaces glutamic acid 880 with lysine.
Molecular consequence: missense variant.
Genome position (GRCh38, 1-based): chrX:49,219,356, C>T on the plus strand (G>A on the coding strand, the complement: CACNA1F is on the minus strand). VCF-style: chrX-49219356-C-T. GRCh37 (hg19) VCF-style: chrX-49075815-C-T.
Other names: c.2476G>A, p.Glu826Lys (NM_001256790.3); c.2671G>A, p.Glu891Lys (NM_005183.4); c.2671G>A (NM_005183.2); short protein forms E880K, E891K, E826K.
Identifiers: ClinVar variation 1383556 (VCV001383556.7), dbSNP rs2147909623, ClinGen allele CA412965234.

ClinVar aggregate classification (germline): Conflicting classifications of pathogenicity. Review status: criteria provided, conflicting classifications (1 of 4 stars). 2 submissions from 2 submitters: Likely pathogenic (1); Uncertain significance (1). Last evaluated 2024-09-04.

Submissions (2):

GeneDx
Classification: Likely pathogenic. Last evaluated: 2024-09-04. Review status: criteria provided, single submitter. Criteria: GeneDx Variant Classification Process June 2021. Collection method: clinical testing. Allele origin: germline. Affected: yes.
Comment: Not observed at significant frequency in large population cohorts (gnomAD); In silico analysis supports that this missense variant has a deleterious effect on protein structure/function; Has not been previously published as pathogenic or benign to our knowledge

Labcorp Genetics (formerly Invitae), Labcorp
Classification: Uncertain significance. Last evaluated: 2022-08-09. Review status: criteria provided, single submitter. Criteria: Invitae Variant Classification Sherloc (09022015). Collection method: clinical testing. Allele origin: germline.
Comment: This sequence change replaces glutamic acid, which is acidic and polar, with lysine, which is basic and polar, at codon 891 of the CACNA1F protein (p.Glu891Lys). In summary, the available evidence is currently insufficient to determine the role of this variant in disease. Therefore, it has been classified as a Variant of Uncertain Significance. Algorithms developed to predict the effect of missense changes on protein structure and function are either unavailable or do not agree on the potential impact of this missense change (SIFT: "Deleterious"; PolyPhen-2: "Benign"; Align-GVGD: "Class C0"). ClinVar contains an entry for this variant (Variation ID: 1383556). This variant has not been reported in the literature in individuals affected with CACNA1F-related conditions. This variant is not present in population databases (gnomAD no frequency).